The following is an entry in ClinVar:

ClinVar aggregate classification (germline): Uncertain significance. Review status: criteria provided, multiple submitters, no conflicts (2 of 4 stars). 2 submissions from 2 submitters: Uncertain significance (2). Last evaluated 2025-12-15.

Conditions:
Inborn genetic diseases. Identifiers: MedGen C0950123, MeSH D030342.

Allele frequency attached by ClinVar (database versions not stated): gnomAD 0.00001; gnomAD exomes 0.00001 and 0.00002; TOPMed 0.00003.
gnomAD v4.1: 34 of 1,613,740 alleles (0.0021%); highest among the groups gnomAD compares: Non-Finnish European, 0.0028%; no homozygotes.

Submissions (2):

Ambry Genetics
Classification: Uncertain significance for Inborn genetic diseases. Last evaluated: 2025-12-15. Review status: criteria provided, single submitter. Criteria: Ambry Variant Classification Scheme 2023. Collection method: clinical testing. Allele origin: germline.

Labcorp Genetics (formerly Invitae), Labcorp
Classification: Uncertain significance. Last evaluated: 2024-08-09. Review status: criteria provided, single submitter. Criteria: Invitae Variant Classification Sherloc (09022015). Collection method: clinical testing. Allele origin: germline.
Comment: This sequence change replaces glutamine, which is neutral and polar, with glutamic acid, which is acidic and polar, at codon 1017 of the ASXL2 protein (p.Gln1017Glu). This variant is present in population databases (rs753726673, gnomAD 0.002%). This variant has not been reported in the literature in individuals affected with ASXL2-related conditions. ClinVar contains an entry for this variant (Variation ID: 1448018). Advanced modeling of protein sequence and biophysical properties (such as structural, functional, and spatial information, amino acid conservation, physicochemical variation, residue mobility, and thermodynamic stability) performed at Invitae indicates that this missense variant is not expected to disrupt ASXL2 protein function with a negative predictive value of 80%. In summary, the available evidence is currently insufficient to determine the role of this variant in disease. Therefore, it has been classified as a Variant of Uncertain Significance.

NM_018263.6(ASXL2):c.3049C>G (p.Gln1017Glu)

Gene: ASXL2 (ASXL transcriptional regulator 2; minus strand). Cytogenetic location: 2p23.3.
Variant type: single nucleotide variant.
Coding change: c.3049C>G on transcript NM_018263.6 (MANE Select); coding-DNA position 3049, C replaced by G.
Protein change: p.Gln1017Glu; replaces glutamine 1017 with glutamic acid.
Molecular consequence: missense variant.
Genome position (GRCh38, 1-based): chr2:25,743,288, G>C on the plus strand (C>G on the coding strand, the complement: ASXL2 is on the minus strand). VCF-style: chr2-25743288-G-C. GRCh37 (hg19) VCF-style: chr2-25966157-G-C.
Other names: c.2875C>G, p.Gln959Glu (NM_001369346.1); c.2269C>G, p.Gln757Glu (NM_001369347.1); c.3049C>G (NM_018263.4); short protein forms Q757E, Q1017E, Q959E.
Identifiers: ClinVar variation 1448018 (VCV001448018.8), dbSNP rs753726673, ClinGen allele CA43734494.
Genomic context (GRCh38, chr2:25,743,288, plus strand): 5'-GAAGGGGCCTTGGAACCTGGGGGAGCTGCTTACTTTGCAAGGTTTTGCCCAGCTGCTGCT[G>C]CGTAGCTGGATGGGACTGTCTCTCATTAACTTCCTCTCTGGTGCTATTTTCTGTTGTGTT-3'
Protein context (NP_060733.4, residues 1007-1027): VNERQSHPAT[Gln1017Glu]QQLGKTLQSK